The following is an entry in ClinVar:

NM_001375524.1(TRRAP):c.11095G>A (p.Val3699Ile)

Gene: TRRAP (transformation/transcription domain associated protein; plus strand). Cytogenetic location: 7q22.1.
Variant type: single nucleotide variant.
Coding change: c.11095G>A on transcript NM_001375524.1 (MANE Select); coding-DNA position 11095, G replaced by A.
Protein change: p.Val3699Ile; replaces valine 3699 with isoleucine.
Molecular consequence: missense variant.
Genome position (GRCh38, 1-based): chr7:99,011,208, G>A. VCF-style: chr7-99011208-G-A. GRCh37 (hg19) VCF-style: chr7-98608831-G-A.
Other names: c.10966G>A (NM_003496.3); c.11053G>A, p.Val3685Ile (NM_001244580.2); c.10966G>A, p.Val3656Ile (NM_003496.4); short protein forms V3656I, V3685I, V3699I.
Identifiers: ClinVar variation 2713612 (VCV002713612.4), dbSNP rs762474727, ClinGen allele CA4362084.

ClinVar aggregate classification (germline): Uncertain significance. Review status: criteria provided, multiple submitters, no conflicts (2 of 4 stars). 2 submissions from 2 submitters: Uncertain significance (2). Last evaluated 2025-12-08.

Conditions:
TRRAP-related disorder. Also called: TRRAP-related condition.

Allele frequency attached by ClinVar (database versions not stated): ExAC 0.00002; gnomAD 0.00005.
gnomAD v4.1: 34 of 1,613,984 alleles (0.0021%); highest among the groups gnomAD compares: East Asian, 0.0045%; no homozygotes.

Submissions (2):

PreventionGenetics, part of Exact Sciences
Classification: Uncertain significance for TRRAP-related condition. Last evaluated: 2025-12-08. Review status: criteria provided, single submitter. Criteria: ACMG Guidelines, 2015. Collection method: clinical testing. Allele origin: germline.
Comment: The TRRAP c.10966G>A variant is predicted to result in the amino acid substitution p.Val3656Ile. To our knowledge, this variant has not been reported in the literature. This variant is reported in 0.0040% of alleles in individuals of African descent in gnomAD. At this time, the clinical significance of this variant is uncertain due to the absence of conclusive functional and genetic evidence.

Labcorp Genetics (formerly Invitae), Labcorp
Classification: Uncertain significance. Last evaluated: 2025-03-30. Review status: criteria provided, single submitter. Criteria: Invitae Variant Classification Sherloc (09022015). Collection method: clinical testing. Allele origin: germline.
Comment: This sequence change replaces valine, which is neutral and non-polar, with isoleucine, which is neutral and non-polar, at codon 3656 of the TRRAP protein (p.Val3656Ile). This variant is present in population databases (rs762474727, gnomAD 0.004%). This variant has not been reported in the literature in individuals affected with TRRAP-related conditions. ClinVar contains an entry for this variant (Variation ID: 2713612). Invitae Evidence Modeling of protein sequence and biophysical properties (such as structural, functional, and spatial information, amino acid conservation, physicochemical variation, residue mobility, and thermodynamic stability) indicates that this missense variant is not expected to disrupt TRRAP protein function with a negative predictive value of 80%. In summary, the available evidence is currently insufficient to determine the role of this variant in disease. Therefore, it has been classified as a Variant of Uncertain Significance.